The following is an entry in ClinVar:

ClinVar aggregate classification (germline): Uncertain significance. Review status: criteria provided, multiple submitters, no conflicts (2 of 4 stars). 2 submissions from 2 submitters: Uncertain significance (2). Last evaluated 2026-01-14.

Conditions:
NUP205-related disorder. Also called: NUP205-related condition.

Allele frequency attached by ClinVar (database versions not stated): ExAC 0.00005; gnomAD exomes 0.00005; gnomAD 0.00007; TOPMed 0.00007; ESP Exome Variant Server 0.00008.
gnomAD v4.1: 87 of 1,592,282 alleles (0.0055%); highest among the groups gnomAD compares: Middle Eastern, 0.017%; no homozygotes.

Submissions (2):

PreventionGenetics, part of Exact Sciences
Classification: Uncertain significance for NUP205-related condition. Last evaluated: 2026-01-14. Review status: criteria provided, single submitter. Criteria: ACMG Guidelines, 2015. Collection method: clinical testing. Allele origin: germline.
Comment: The NUP205 c.6010C>T variant is predicted to result in the amino acid substitution p.Arg2004Cys. To our knowledge, this variant has not been reported in the literature. This variant is reported in 0.0090% of alleles in individuals of European (Non-Finnish) descent in gnomAD. At this time, the clinical significance of this variant is uncertain due to the absence of conclusive functional and genetic evidence.

Ambry Genetics
Classification: Uncertain significance. Last evaluated: 2025-08-25. Review status: criteria provided, single submitter. Criteria: Ambry Variant Classification Scheme 2023. Collection method: clinical testing. Allele origin: germline.

NM_015135.3(NUP205):c.6010C>T (p.Arg2004Cys)

Gene: NUP205 (nucleoporin 205; plus strand). Cytogenetic location: 7q33.
Variant type: single nucleotide variant.
Coding change: c.6010C>T on transcript NM_015135.3 (MANE Select); coding-DNA position 6010, C replaced by T.
Protein change: p.Arg2004Cys; replaces arginine 2004 with cysteine.
Molecular consequence: missense variant.
Genome position (GRCh38, 1-based): chr7:135,648,527, C>T. VCF-style: chr7-135648527-C-T. GRCh37 (hg19) VCF-style: chr7-135333275-C-T.
Other names: c.4936C>T, p.Arg1646Cys (NM_001329434.2); short protein forms R1646C, R2004C.
Identifiers: ClinVar variation 2485041 (VCV002485041.4), dbSNP rs372391692, ClinGen allele CA4499353.
Genomic context (GRCh38, chr7:135,648,527, plus strand): 5'-GGATTATATTCAAAAGTTCGATCTCGATATAGTTTCATACAGGCTCTTGTCAGACGTATC[C>T]GTGGCCTCTTGAGGATATCAAGGAACTGAGAGCCCGTGCTTATGCTCTTCTATGAGAGAG-3'
Protein context (NP_055950.2, residues 1994-2012): SFIQALVRRI[Arg2004Cys]GLLRISRN